The following is an entry in ClinVar:

ClinVar aggregate classification (germline): Uncertain significance. Review status: criteria provided, multiple submitters, no conflicts (2 of 4 stars). 2 submissions from 2 submitters: Uncertain significance (2). Last evaluated 2024-11-05.

Allele frequency attached by ClinVar (database versions not stated): gnomAD exomes 0.00001; gnomAD 0.00002; TOPMed 0.00003.
gnomAD v4.1: 13 of 1,613,948 alleles (0.00081%); highest among the groups gnomAD compares: Admixed American, 0.0067%; no homozygotes.

Submissions (2):

Labcorp Genetics (formerly Invitae), Labcorp
Classification: Uncertain significance. Last evaluated: 2024-11-05. Review status: criteria provided, single submitter. Criteria: Invitae Variant Classification Sherloc (09022015). Collection method: clinical testing. Allele origin: germline.
Comment: This sequence change replaces methionine, which is neutral and non-polar, with valine, which is neutral and non-polar, at codon 484 of the ARHGAP24 protein (p.Met484Val). This variant is present in population databases (no rsID available, gnomAD 0.006%). This variant has not been reported in the literature in individuals affected with ARHGAP24-related conditions. ClinVar contains an entry for this variant (Variation ID: 3128663). An algorithm developed to predict the effect of missense changes on protein structure and function (PolyPhen-2) suggests that this variant is likely to be tolerated. In summary, the available evidence is currently insufficient to determine the role of this variant in disease. Therefore, it has been classified as a Variant of Uncertain Significance.

Ambry Genetics
Classification: Uncertain significance. Last evaluated: 2022-06-13. Review status: criteria provided, single submitter. Criteria: Ambry Variant Classification Scheme 2023. Collection method: clinical testing. Allele origin: germline.

NM_001025616.3(ARHGAP24):c.1450A>G (p.Met484Val)

Gene: ARHGAP24 (Rho GTPase activating protein 24; plus strand). Cytogenetic location: 4q21.23.
Variant type: single nucleotide variant.
Coding change: c.1450A>G on transcript NM_001025616.3 (MANE Select); coding-DNA position 1450, A replaced by G.
Protein change: p.Met484Val; replaces methionine 484 with valine.
Molecular consequence: missense variant.
Genome position (GRCh38, 1-based): chr4:85,995,104, A>G. VCF-style: chr4-85995104-A-G. GRCh37 (hg19) VCF-style: chr4-86916257-A-G.
Other names: c.1165A>G, p.Met389Val (NM_001042669.2); c.1195A>G, p.Met399Val (NM_001287805.2); c.871A>G, p.Met291Val (NM_001346093.2); c.1171A>G, p.Met391Val (NM_031305.3); short protein forms M291V, M399V, M484V, M389V, M391V.
Identifiers: ClinVar variation 3128663 (VCV003128663.3), dbSNP rs997873797, ClinGen allele CA100736779.
Genomic context (GRCh38, chr4:85,995,104, plus strand): 5'-TCACTGAAGGTATCTGGTACCAAAATGGGCACGCACAGTGTACAGAATGGAACGGTGCGC[A>G]TGGGCATTTTGAACAGCGACACACTCGGGAACCCCACAAATGTTCGAAACATGAGCTGGC-3'
Protein context (NP_001020787.2, residues 474-494): THSVQNGTVR[Met484Val]GILNSDTLGN